The following is an entry in ClinVar:

ClinVar aggregate classification (germline): Uncertain significance. Review status: criteria provided, multiple submitters, no conflicts (2 of 4 stars). 2 submissions from 2 submitters: Uncertain significance (2). Last evaluated 2025-07-30.

Conditions:
Inborn genetic diseases. Identifiers: MedGen C0950123, MeSH D030342.
SEMA3A-related disorder. Also called: SEMA3A-related condition.

gnomAD v4.1: 1 of 1,614,060 alleles (0.000062%); highest among the groups gnomAD compares: Non-Finnish European, 0.000085%; no homozygotes.

Submissions (2):

PreventionGenetics, part of Exact Sciences
Classification: Uncertain significance for SEMA3A-related condition. Last evaluated: 2025-07-30. Review status: criteria provided, single submitter. Criteria: ACMG Guidelines, 2015. Collection method: clinical testing. Allele origin: germline.
Comment: The SEMA3A c.1196T>C variant is predicted to result in the amino acid substitution p.Val399Ala. To our knowledge, this variant has not been reported in the literature or in a large population database (gnomAD), indicating this variant is rare. At this time, the clinical significance of this variant is uncertain due to the absence of conclusive functional and genetic evidence.

Ambry Genetics
Classification: Uncertain significance for Inborn genetic diseases. Last evaluated: 2024-08-19. Review status: criteria provided, single submitter. Criteria: Ambry Variant Classification Scheme 2023. Collection method: clinical testing. Allele origin: germline.

NM_006080.3(SEMA3A):c.1196T>C (p.Val399Ala)

Gene: SEMA3A (semaphorin 3A; minus strand). Cytogenetic location: 7q21.11.
Variant type: single nucleotide variant.
Coding change: c.1196T>C on transcript NM_006080.3 (MANE Select); coding-DNA position 1196, T replaced by C.
Protein change: p.Val399Ala; replaces valine 399 with alanine.
Molecular consequence: missense variant.
Genome position (GRCh38, 1-based): chr7:84,005,503, A>G on the plus strand (T>C on the coding strand, the complement: SEMA3A is on the minus strand). VCF-style: chr7-84005503-A-G. GRCh37 (hg19) VCF-style: chr7-83634819-A-G.
Other names: short protein forms V399A.
Identifiers: ClinVar variation 3439415 (VCV003439415.2).